The following is an entry in ClinVar:

ClinVar aggregate classification (germline): Uncertain significance. Review status: criteria provided, multiple submitters, no conflicts (2 of 4 stars). 2 submissions from 2 submitters: Uncertain significance (2). Last evaluated 2025-07-14.

Conditions:
Atrioventricular septal defect 4 (AVSD4). Identifiers: MedGen C3280781, MONDO:0013747, OMIM 614430.

gnomAD v4.1: 4 of 1,614,130 alleles (0.00025%); highest among the groups gnomAD compares: African/African-American, 0.0013%; no homozygotes.

Submissions (2):

Labcorp Genetics (formerly Invitae), Labcorp
Classification: Uncertain significance for Atrioventricular septal defect 4. Last evaluated: 2025-07-14. Review status: criteria provided, single submitter. Criteria: Invitae Variant Classification Sherloc (09022015). Collection method: clinical testing. Allele origin: germline.
Comment: This sequence change replaces valine, which is neutral and non-polar, with leucine, which is neutral and non-polar, at codon 431 of the GATA4 protein (p.Val431Leu). This variant is present in population databases (rs777829308, gnomAD 0.002%). This variant has not been reported in the literature in individuals affected with GATA4-related conditions. ClinVar contains an entry for this variant (Variation ID: 3898917). Invitae Evidence Modeling of protein sequence and biophysical properties (such as structural, functional, and spatial information, amino acid conservation, physicochemical variation, residue mobility, and thermodynamic stability) has been performed for this missense variant. However, the output from this modeling did not meet the statistical confidence thresholds required to predict the impact of this variant on GATA4 protein function. In summary, the available evidence is currently insufficient to determine the role of this variant in disease. Therefore, it has been classified as a Variant of Uncertain Significance.

GeneDx
Classification: Uncertain significance. Last evaluated: 2024-11-05. Review status: criteria provided, single submitter. Criteria: GeneDx Variant Classification Process June 2021. Collection method: clinical testing. Allele origin: germline. Affected: yes.
Comment: Not observed at significant frequency in large population cohorts (gnomAD); In silico analysis indicates that this missense variant does not alter protein structure/function; Has not been previously published as pathogenic or benign to our knowledge

NM_001308093.3(GATA4):c.1294G>C (p.Val432Leu)

Gene: GATA4 (GATA binding protein 4). Cytogenetic location: 8p23.1.
Variant type: single nucleotide variant.
Coding change: c.1294G>C on transcript NM_001308093.3 (MANE Select); coding-DNA position 1294, G replaced by C.
Protein change: p.Val432Leu; replaces valine 432 with leucine.
Molecular consequence: missense variant.
Genome position (GRCh38, 1-based): chr8:11,758,437, G>C. VCF-style: chr8-11758437-G-C. GRCh37 (hg19) VCF-style: chr8-11615946-G-C.
Other names: c.673G>C, p.Val225Leu (NM_001308094.2, NM_001374273.1); c.547G>C, p.Val183Leu (NM_001374274.1); c.1291G>C, p.Val431Leu (NM_002052.5); short protein forms V183L, V225L, V431L, V432L.
Identifiers: ClinVar variation 3898917 (VCV003898917.2).